The following is an entry in ClinVar:

ClinVar aggregate classification (germline): Uncertain significance (1 of 4 stars; one submission).

Submission:

GeneDx
Classification: Uncertain significance. Last evaluated: 2024-05-28. Review status: criteria provided, single submitter. Criteria: GeneDx Variant Classification Process June 2021. Collection method: clinical testing. Allele origin: germline. Affected: yes.
Comment: Frameshift variant predicted to result in protein truncation or nonsense mediated decay in a gene for which loss of function is a known mechanism of disease; Has not been previously published as pathogenic or benign to our knowledge

NM_145054.5(CFAP52):c.1162del (p.Ser388fs)

Gene: CFAP52 (cilia and flagella associated protein 52; plus strand). Cytogenetic location: 17p13.1.
Variant type: Deletion.
Coding change: c.1162del on transcript NM_145054.5 (MANE Select); coding-DNA position 1162, one base deleted (A; older notation c.1162delA).
Protein change: p.Ser388fs; shifts the reading frame from serine 388.
Molecular consequence: frameshift variant.
Genome position (GRCh38, 1-based): chr17:9,628,808, A deleted; the last of 4 consecutive A bases (chr17:9,628,805-9,628,808); deleting any one gives the same sequence. VCF-style (leftmost placement, unchanged base first): chr17-9628804-CA-C. GRCh37 (hg19) VCF-style: chr17-9532121-CA-C.
Other names: c.958del, p.Ser320fs (NM_001080556.2); short protein forms S320fs, S388fs.
Identifiers: ClinVar variation 3383507 (VCV003383507.1).